The following is an entry in ClinVar:

ClinVar aggregate classification (germline): Uncertain significance. Review status: criteria provided, multiple submitters, no conflicts (2 of 4 stars). 2 submissions from 2 submitters: Uncertain significance (2). Last evaluated 2023-06-26.

Conditions:
Wilson disease (WND). Also called: Wilson's disease. Identifiers: Orphanet 905, MedGen C0019202, MONDO:0010200, OMIM 277900. Disease mechanism: loss of function.

Submissions (2):

All of Us Research Program, National Institutes of Health
Classification: Uncertain significance for Wilson disease. Last evaluated: 2023-06-26. Review status: criteria provided, single submitter. Criteria: ACMG Guidelines, 2015. Collection method: clinical testing. Allele origin: germline. Inheritance: Autosomal recessive inheritance. Observed: 2 variant alleles, 2 heterozygotes.
Comment: This variant causes a C to T nucleotide substitution at the +5 position of intron 8 of the ATP7B gene. To our knowledge, functional studies have not been reported for this variant. This variant has not been reported in individuals affected with Wilson disease in the literature. This variant has been identified in 4/249146 chromosomes in the general population by the Genome Aggregation Database (gnomAD). The available evidence is insufficient to determine the role of this variant in disease conclusively. Therefore, this variant is classified as a Variant of Uncertain Significance.

This study involves interpretation of variants in research participants for the purpose of population health screening. Participant phenotype was not available at the time of variant classification. Additional details can be found in publication PMID: 35346344, PMCID: PMC8962531

Labcorp Genetics (formerly Invitae), Labcorp
Classification: Uncertain significance for Wilson disease. Last evaluated: 2022-05-03. Review status: criteria provided, single submitter. Criteria: Invitae Variant Classification Sherloc (09022015). Collection method: clinical testing. Allele origin: germline.
Comment: This sequence change falls in intron 8 of the ATP7B gene. It does not directly change the encoded amino acid sequence of the ATP7B protein. It affects a nucleotide within the consensus splice site. This variant is present in population databases (no rsID available, gnomAD 0.004%). This variant has not been reported in the literature in individuals affected with ATP7B-related conditions. Variants that disrupt the consensus splice site are a relatively common cause of aberrant splicing (PMID: 17576681, 9536098). Algorithms developed to predict the effect of sequence changes on RNA splicing suggest that this variant is not likely to affect RNA splicing. In summary, the available evidence is currently insufficient to determine the role of this variant in disease. Therefore, it has been classified as a Variant of Uncertain Significance.

Literature cited by the submitters: PubMed 17576681 (cited by Labcorp Genetics (formerly Invitae), Labcorp); PubMed 9536098 (cited by Labcorp Genetics (formerly Invitae), Labcorp).

NM_000053.4(ATP7B):c.2355+5C>T

Gene: ATP7B (ATPase copper transporting beta; minus strand). Cytogenetic location: 13q14.3.
Variant type: single nucleotide variant.
Coding change: c.2355+5C>T on transcript NM_000053.4 (MANE Select); 5 bases into the intron after coding-DNA position 2355, C replaced by T.
Molecular consequence: intron variant.
Genome position (GRCh38, 1-based): chr13:51,958,306, G>A on the plus strand (C>T on the coding strand, the complement: ATP7B is on the minus strand). VCF-style: chr13-51958306-G-A. GRCh37 (hg19) VCF-style: chr13-52532442-G-A.
Other names: c.2022+5C>T (NM_001243182.2); c.1870-699C>T (NM_001005918.3); c.2103+5C>T (NM_001330579.2); c.2122-699C>T (NM_001330578.2).
Identifiers: ClinVar variation 2155660 (VCV002155660.2), dbSNP rs766264823, ClinGen allele CA609969014.
Genomic context (GRCh38, chr13:51,958,306, plus strand): 5'-TTCAGAGGAAGTGAGATTTGTTTACTGAAGGAGCAGCTCTTTTCTGAACCTGAAGCTGCT[G>A]TTACCTTTGCCAAGTGTTCCAGCCACCGGCCCAGGGCAATGAACACAAAGAGCATGGGGG-3'